The following is an entry in ClinVar:

ClinVar aggregate classification (germline): Pathogenic (1 of 4 stars; one submission).

Submission:

Labcorp Genetics (formerly Invitae), Labcorp
Classification: Pathogenic. Last evaluated: 2023-07-28. Review status: criteria provided, single submitter. Criteria: Invitae Variant Classification Sherloc (09022015). Collection method: clinical testing. Allele origin: unknown.
Comment: This variant is a gross deletion of the genomic region encompassing exon(s) 4-9 of the EARS2 gene, which includes the termination codon. This deletion extends beyond the assayed region for this gene and therefore may encompass additional genes. While this deletion is not anticipated to lead to nonsense mediated decay, it is expected to alter mRNA translation or result in a truncated protein product. This variant has not been reported in the literature in individuals affected with EARS2-related conditions. This variant disrupts a region of the EARS2 protein in which other variant(s) (p.Leu465Pro) have been determined to be pathogenic (PMID: 27875839). This suggests that this is a clinically significant region of the protein, and that variants that disrupt it are likely to be disease-causing. For these reasons, this variant has been classified as Pathogenic.

Literature cited by the submitters: PubMed 27875839.

NC_000016.9:g.(?_23535692)_(23546701_?)del

Gene: EARS2 (glutamyl-tRNA synthetase 2, mitochondrial; minus strand). Cytogenetic location: 16p12.2.
Variant type: Deletion.
Identifiers: ClinVar variation 3243603 (VCV003243603.1).